The following is an entry in ClinVar:

ClinVar aggregate classification (germline): Benign/Likely benign. Review status: criteria provided, multiple submitters, no conflicts (2 of 4 stars). 5 submissions from 5 submitters: Benign (2); Likely benign (3). Last evaluated 2025-05-21.

Conditions:
Cornelia de Lange syndrome 1 (CDLS1). Also called: TYPUS DEGENERATIVUS AMSTELODAMENSIS; Brachmann de Lange syndrome; NIPBL-Related Cornelia de Lange Syndrome. Identifiers: Orphanet 199, MedGen C4551851, MONDO:0007387, OMIM 122470.
NIPBL-related disorder. Also called: NIPBL-related condition.
Inborn genetic diseases. Identifiers: MedGen C0950123, MeSH D030342.

Allele frequency attached by ClinVar (database versions not stated): gnomAD exomes 0.00005 and 0.00010; ExAC 0.00014; ESP Exome Variant Server 0.00031; TOPMed 0.00037; gnomAD 0.00042 and 0.00046; 1000 Genomes Project 0.00060; 1000 Genomes Project 30x 0.00062.
gnomAD v4.1: 137 of 1,613,440 alleles (0.0085%); highest among the groups gnomAD compares: African/African-American, 0.16%; no homozygotes.

Submissions (5):

Labcorp Genetics (formerly Invitae), Labcorp
Classification: Benign for Cornelia de Lange syndrome 1. Last evaluated: 2025-05-21. Review status: criteria provided, single submitter. Criteria: Invitae Variant Classification Sherloc (09022015). Collection method: clinical testing. Allele origin: germline.

PreventionGenetics, part of Exact Sciences
Classification: Likely benign for NIPBL-related condition. Last evaluated: 2024-12-20. Review status: criteria provided, single submitter. Criteria: ACMG Guidelines, 2015. Collection method: clinical testing. Allele origin: germline.
Comment: This variant is classified as likely benign based on ACMG/AMP sequence variant interpretation guidelines (Richards et al. 2015 PMID: 25741868, with internal and published modifications).

Genome-Nilou Lab
Classification: Benign for Cornelia de Lange syndrome 1. Last evaluated: 2021-07-15. Review status: criteria provided, single submitter. Criteria: ACMG Guidelines, 2015. Collection method: clinical testing. Allele origin: germline. Affected: no.

Ambry Genetics
Classification: Likely benign for Inborn genetic diseases. Last evaluated: 2016-07-08. Review status: criteria provided, single submitter. Criteria: Ambry Variant Classification Scheme 2023. Collection method: clinical testing. Allele origin: germline.

Breakthrough Genomics
Classification: Likely benign. Review status: criteria provided, single submitter. Criteria: ACMG Guidelines, 2015. Collection method: not provided. Allele origin: germline. Inheritance: Autosomal dominant inheritance. Affected: yes.

NM_133433.4(NIPBL):c.804A>G (p.Ala268=)

Gene: NIPBL (NIPBL cohesin loading factor; plus strand). Cytogenetic location: 5p13.2.
Variant type: single nucleotide variant.
Coding change: c.804A>G on transcript NM_133433.4 (MANE Select); coding-DNA position 804, A replaced by G.
Protein change: p.Ala268=; no amino-acid change (alanine 268 retained).
Molecular consequence: synonymous variant.
Genome position (GRCh38, 1-based): chr5:36,971,977, A>G. VCF-style: chr5-36971977-A-G. GRCh37 (hg19) VCF-style: chr5-36972079-A-G.
Other names: c.804A>G, p.Ala268= (NM_015384.5).
Identifiers: ClinVar variation 589323 (VCV000589323.17), dbSNP rs144238532, ClinGen allele CA3235930.